The following is an entry in ClinVar:

ClinVar aggregate classification (germline): Uncertain significance (1 of 4 stars; one submission).

Conditions:
Inborn genetic diseases. Identifiers: MedGen C0950123, MeSH D030342.

Allele frequency attached by ClinVar (database versions not stated): gnomAD exomes below 0.00001; TOPMed below 0.00001; gnomAD 0.00001.
gnomAD v4.1: 5 of 1,613,966 alleles (0.00031%); highest among the groups gnomAD compares: Non-Finnish European, 0.00034%; no homozygotes.

Submission:

Ambry Genetics
Classification: Uncertain significance for Inborn genetic diseases. Last evaluated: 2019-12-10. Review status: criteria provided, single submitter. Criteria: Ambry Variant Classification Scheme 2023. Collection method: clinical testing. Allele origin: germline.
Comment: The p.N168H variant (also known as c.502A>C), located in coding exon 1 of the SLC52A3 gene, results from an A to C substitution at nucleotide position 502. The asparagine at codon 168 is replaced by histidine, an amino acid with similar properties. This amino acid position is well conserved in available vertebrate species. In addition, this alteration is predicted to be tolerated by in silico analysis. Since supporting evidence is limited at this time, the clinical significance of this alteration remains unclear.

NM_033409.4(SLC52A3):c.502A>C (p.Asn168His)

Gene: SLC52A3 (solute carrier family 52 member 3; minus strand). Cytogenetic location: 20p13.
Variant type: single nucleotide variant.
Coding change: c.502A>C on transcript NM_033409.4 (MANE Select); coding-DNA position 502, A replaced by C.
Protein change: p.Asn168His; replaces asparagine 168 with histidine.
Molecular consequence: missense variant.
Genome position (GRCh38, 1-based): chr20:765,273, T>G on the plus strand (A>C on the coding strand, the complement: SLC52A3 is on the minus strand). VCF-style: chr20-765273-T-G. GRCh37 (hg19) VCF-style: chr20-745917-T-G.
Other names: c.502A>C, p.Asn168His (NM_001370085.1, NM_001370086.1); short protein forms N168H.
Identifiers: ClinVar variation 1744875 (VCV001744875.2), dbSNP rs1337277627, ClinGen allele CA407963708.